The following is an entry in ClinVar:

NM_000140.5(FECH):c.803C>T (p.Ser268Phe)

Gene: FECH (ferrochelatase; minus strand). Cytogenetic location: 18q21.31.
Variant type: single nucleotide variant.
Coding change: c.803C>T on transcript NM_000140.5 (MANE Select); coding-DNA position 803, C replaced by T.
Protein change: p.Ser268Phe; replaces serine 268 with phenylalanine.
Molecular consequence: missense variant. On other transcripts: intron variant (1).
Genome position (GRCh38, 1-based): chr18:57,559,146, G>A on the plus strand (C>T on the coding strand, the complement: FECH is on the minus strand). VCF-style: chr18-57559146-G-A. GRCh37 (hg19) VCF-style: chr18-55226378-G-A.
Other names: c.803C>T (NM_000140.3); c.821C>T, p.Ser274Phe (NM_001012515.4); c.587C>T, p.Ser196Phe (NM_001371095.1); c.803C>T, p.Ser268Phe (NM_001374778.1); c.705+3728C>T (NM_001371094.1); short protein forms S274F, S196F, S268F.
Identifiers: ClinVar variation 2800260 (VCV002800260.4), dbSNP rs2050907331, ClinGen allele CA402535559.

ClinVar aggregate classification (germline): Uncertain significance. Review status: criteria provided, multiple submitters, no conflicts (2 of 4 stars). 2 submissions from 2 submitters: Uncertain significance (2). Last evaluated 2025-05-29.

Conditions:
Inborn genetic diseases. Identifiers: MedGen C0950123, MeSH D030342.

gnomAD v4.1: 9 of 1,600,228 alleles (0.00056%); highest among the groups gnomAD compares: Non-Finnish European, 0.00077%; no homozygotes.

Submissions (2):

Ambry Genetics
Classification: Uncertain significance for Inborn genetic diseases. Last evaluated: 2025-05-29. Review status: criteria provided, single submitter. Criteria: Ambry Variant Classification Scheme 2023. Collection method: clinical testing. Allele origin: germline.

Labcorp Genetics (formerly Invitae), Labcorp
Classification: Uncertain significance. Last evaluated: 2023-05-15. Review status: criteria provided, single submitter. Criteria: Invitae Variant Classification Sherloc (09022015). Collection method: clinical testing. Allele origin: germline.
Comment: This missense change has been observed in individual(s) with clinical features of erythropoietic protoporphyria (Invitae). In at least one individual the data is consistent with being in trans (on the opposite chromosome) from a pathogenic variant. In summary, the available evidence is currently insufficient to determine the role of this variant in disease. Therefore, it has been classified as a Variant of Uncertain Significance. An algorithm developed to predict the effect of missense changes on protein structure and function (PolyPhen-2) suggests that this variant is likely to be disruptive. This variant is not present in population databases (gnomAD no frequency). This sequence change replaces serine, which is neutral and polar, with phenylalanine, which is neutral and non-polar, at codon 268 of the FECH protein (p.Ser268Phe).